The following is an entry in ClinVar:

ClinVar aggregate classification (germline): Uncertain significance (1 of 4 stars; one submission).

Conditions:
Familial thoracic aortic aneurysm and aortic dissection (TAAD). Also called: Thoracic aortic aneurysms and dissections. Identifiers: Orphanet 91387, MedGen C4707243, MONDO:0019625.

Allele frequency attached by ClinVar (database versions not stated): gnomAD exomes below 0.00001; TOPMed below 0.00001.
gnomAD v4.1: 2 of 1,611,060 alleles (0.00012%); highest among the groups gnomAD compares: Non-Finnish European, 0.00017%; no homozygotes.

Submission:

Ambry Genetics
Classification: Uncertain significance for Familial thoracic aortic aneurysm and aortic dissection. Last evaluated: 2022-02-04. Review status: criteria provided, single submitter. Criteria: Ambry Variant Classification Scheme 2023. Collection method: clinical testing. Allele origin: germline.
Comment: The p.A100P variant (also known as c.298G>C), located in coding exon 1 of the TGFB2 gene, results from a G to C substitution at nucleotide position 298. The alanine at codon 100 is replaced by proline, an amino acid with highly similar properties. This amino acid position is conserved. In addition, this alteration is predicted to be deleterious by in silico analysis. Since supporting evidence is limited at this time, the clinical significance of this alteration remains unclear.

NM_003238.6(TGFB2):c.298G>C (p.Ala100Pro)

Gene: TGFB2 (transforming growth factor beta 2; plus strand). Cytogenetic location: 1q41.
Variant type: single nucleotide variant.
Coding change: c.298G>C on transcript NM_003238.6 (MANE Select); coding-DNA position 298, G replaced by C.
Protein change: p.Ala100Pro; replaces alanine 100 with proline.
Molecular consequence: missense variant. On other transcripts: non-coding transcript variant (2).
Genome position (GRCh38, 1-based): chr1:218,346,999, G>C. VCF-style: chr1-218346999-G-C. GRCh37 (hg19) VCF-style: chr1-218520341-G-C.
Other names: c.298G>C, p.Ala100Pro (NM_001135599.4); short protein forms A100P.
Identifiers: ClinVar variation 1798506 (VCV001798506.2), dbSNP rs959815933, ClinGen allele CA37544737.